The following is an entry in ClinVar:

ClinVar aggregate classification (germline): Pathogenic/Likely pathogenic. Review status: criteria provided, multiple submitters, no conflicts (2 of 4 stars). 3 submissions from 3 submitters: Pathogenic (2); Likely pathogenic (1). Last evaluated 2026-07-31.

Conditions:
Senior-Loken syndrome 5 (SLSN5). Identifiers: Orphanet 3156, MedGen C1836517, MONDO:0012225, OMIM 609254.
Retinal disorder. Also called: Retinopathy; Retinal disorders; Retinopathies; Retinal Diseases. Identifiers: MedGen C0035309, MONDO:0005283, HP:0000488.

Submissions (3):

Genetics Laboratory, Great Ormond Street Hospital NHS Foundation Trust, North Thames Genomic Laboratory Hub
Classification: Pathogenic for Retinal disorders. Last evaluated: 2026-07-31. Review status: criteria provided, single submitter. Criteria: ACGS Best Practice Guidelines for Variant Classification in Rare Disease 2024 v1.2. Collection method: clinical testing. Allele origin: germline. Affected: yes.
Comment: PM2_moderate, PVS1_very-strong

Baylor Genetics
Classification: Likely pathogenic for Senior-Loken syndrome 5. Last evaluated: 2023-03-31. Review status: criteria provided, single submitter. Criteria: ACMG Guidelines, 2015. Collection method: clinical testing. Allele origin: unknown.

CeGaT Center for Human Genetics Tuebingen
Classification: Pathogenic. Last evaluated: 2019-08-01. Review status: criteria provided, single submitter. Criteria: CeGaT Center For Human Genetics Tuebingen Variant Classification Criteria Version 2. Collection method: clinical testing. Allele origin: germline. Affected: yes. Observed: 1 variant allele.

NM_001023570.4(IQCB1):c.983dup (p.Arg329fs)

Gene: IQCB1 (IQ motif containing B1; minus strand). Cytogenetic location: 3q13.33.
Variant type: Duplication.
Coding change: c.983dup on transcript NM_001023570.4 (MANE Select); coding-DNA position 983, one base duplicated (T; older notation c.983dupT).
Protein change: p.Arg329fs; shifts the reading frame from arginine 329.
Molecular consequence: frameshift variant. On other transcripts: intron variant (1).
Genome position (GRCh38, 1-based): chr3:121,795,460, A duplicated on the plus strand (T on the coding strand, the reverse complement: IQCB1 is on the minus strand); the first of 3 consecutive A bases (chr3:121,795,460-121,795,462); duplicating any one gives the same sequence. VCF-style (leftmost placement, unchanged base first): chr3-121795459-G-GA. GRCh37 (hg19) VCF-style: chr3-121514306-G-GA.
Other names: c.983dup, p.Arg329fs (NM_001319107.2); c.588-5245dup (NM_001023571.4); short protein forms R329fs.
Identifiers: ClinVar variation 872596 (VCV000872596.43), dbSNP rs1949141890, ClinGen allele CA1139658229.